The following is an entry in ClinVar:

NM_000090.4(COL3A1):c.3824-13T>C

Gene: COL3A1 (collagen type III alpha 1 chain; plus strand). Cytogenetic location: 2q32.2.
Variant type: single nucleotide variant.
Coding change: c.3824-13T>C on transcript NM_000090.4 (MANE Select); 13 bases into the intron before coding-DNA position 3824, T replaced by C.
Molecular consequence: intron variant.
Genome position (GRCh38, 1-based): chr2:189,010,165, T>C. VCF-style: chr2-189010165-T-C. GRCh37 (hg19) VCF-style: chr2-189874891-T-C.
Identifiers: ClinVar variation 2073803 (VCV002073803.6), dbSNP rs1000595244, ClinGen allele CA62563713.
Genomic context (GRCh38, chr2:189,010,165, plus strand): 5'-ACAGGTAAACAAACAAAATCACTTTATTACTGGATTTTATAACCAATTCCCATTCTTTTT[T>C]GTGACTATTCAGGAGAATACTGGGTTGACCCTAACCAAGGATGCAAATTGGATGCTATCA-3'

ClinVar aggregate classification (germline): Likely benign. Review status: criteria provided, multiple submitters, no conflicts (2 of 4 stars). 3 submissions from 3 submitters: Likely benign (3). Last evaluated 2024-04-16.

Conditions:
Familial thoracic aortic aneurysm and aortic dissection (TAAD). Also called: Thoracic aortic aneurysms and dissections. Identifiers: Orphanet 91387, MedGen C4707243, MONDO:0019625.
Ehlers-Danlos syndrome, type 4 (EDSVASC). Also called: Ehlers-Danlos syndrome vascular type; Ehlers Danlos syndrome, ecchymotic type; Ehlers Danlos syndrome, arterial type; Ehlers Danlos syndrome, Sack-Barabas type; Ehlers-Danlos Syndrome Type IV. Identifiers: Orphanet 286, MedGen C0268338, MONDO:0017314, OMIM 130050.

Allele frequency attached by ClinVar (database versions not stated): gnomAD 0.00001; TOPMed 0.00003.
gnomAD v4.1: 9 of 1,613,610 alleles (0.00056%); highest among the groups gnomAD compares: African/African-American, 0.004%; no homozygotes.

Submissions (3):

All of Us Research Program, National Institutes of Health
Classification: Likely benign for Ehlers-Danlos syndrome, type 4. Last evaluated: 2024-04-16. Review status: criteria provided, single submitter. Criteria: ACMG Guidelines, 2015. Collection method: clinical testing. Allele origin: germline. Inheritance: Autosomal dominant inheritance. Observed: 1 variant allele, 1 heterozygote.
Comment: This study involves interpretation of variants in research participants for the purpose of population health screening. Participant phenotype was not available at the time of variant classification. Additional details can be found in publication PMID: 35346344, PMCID: PMC8962531

Labcorp Genetics (formerly Invitae), Labcorp
Classification: Likely benign for Ehlers-Danlos syndrome, type 4. Last evaluated: 2023-05-15. Review status: criteria provided, single submitter. Criteria: Invitae Variant Classification Sherloc (09022015). Collection method: clinical testing. Allele origin: germline.

Color Diagnostics, LLC DBA Color Health
Classification: Likely benign for Familial thoracic aortic aneurysm and aortic dissection. Last evaluated: 2023-03-28. Review status: criteria provided, single submitter. Criteria: ACMG Guidelines, 2015. Collection method: clinical testing. Allele origin: germline.